The following is an entry in ClinVar:

NM_000540.3(RYR1):c.9001-14C>A

Gene: RYR1 (ryanodine receptor 1; plus strand). Cytogenetic location: 19q13.2.
Variant type: single nucleotide variant.
Coding change: c.9001-14C>A on transcript NM_000540.3 (MANE Select); 14 bases into the intron before coding-DNA position 9001, C replaced by A.
Molecular consequence: intron variant.
Genome position (GRCh38, 1-based): chr19:38,510,646, C>A. VCF-style: chr19-38510646-C-A. GRCh37 (hg19) VCF-style: chr19-39001286-C-A.
Other names: c.9001-14C>A (NM_001042723.2).
Identifiers: ClinVar variation 256580 (VCV000256580.13), dbSNP rs376195123, ClinGen allele CA073053.

ClinVar aggregate classification (germline): Likely benign. Review status: criteria provided, multiple submitters, no conflicts (2 of 4 stars). 4 submissions from 4 submitters: Likely benign (4). Last evaluated 2025-09-27.

Conditions:
RYR1-related disorder. Also called: RYR1-related condition; RYR1-related disorders. Identifiers: MedGen CN239331.
Malignant hyperthermia, susceptibility to, 1 (MHS1). Also called: RYR1-Related Malignant Hyperthermia Susceptibility; Anesthesia related hyperthermia; Malignant hyperpyrexia; Fulminating hyperpyrexia; Pharmacogenic myopathy; Malignant hyperthermia suceptibility 1. Identifiers: Orphanet 423, MedGen C2930980, MONDO:0007783, OMIM 145600.

Allele frequency attached by ClinVar (database versions not stated): ExAC 0.00004; gnomAD exomes 0.00004; gnomAD 0.00007; ESP Exome Variant Server 0.00008; TOPMed 0.00014.
gnomAD v4.1: 232 of 1,614,052 alleles (0.014%); highest among the groups gnomAD compares: Non-Finnish European, 0.019%; no homozygotes.

Submissions (4):

Labcorp Genetics (formerly Invitae), Labcorp
Classification: Likely benign for RYR1-related disorder. Last evaluated: 2025-09-27. Review status: criteria provided, single submitter. Criteria: Invitae Variant Classification Sherloc (09022015). Collection method: clinical testing. Allele origin: germline.

All of Us Research Program, National Institutes of Health
Classification: Likely benign for Malignant hyperthermia, susceptibility to, 1. Last evaluated: 2024-08-23. Review status: criteria provided, single submitter. Criteria: ACMG Guidelines, 2015. Collection method: clinical testing. Allele origin: germline. Inheritance: Autosomal dominant inheritance. Observed: 17 variant alleles, 17 heterozygotes.
Comment: This study involves interpretation of variants in research participants for the purpose of population health screening. Participant phenotype was not available at the time of variant classification. Additional details can be found in publication PMID: 35346344, PMCID: PMC8962531

Color Diagnostics, LLC DBA Color Health
Classification: Likely benign for Malignant hyperthermia, susceptibility to, 1. Last evaluated: 2024-07-24. Review status: criteria provided, single submitter. Criteria: ACMG Guidelines, 2015. Collection method: clinical testing. Allele origin: germline.

PreventionGenetics, part of Exact Sciences
Classification: Likely benign. Review status: criteria provided, single submitter. Criteria: ACMG Guidelines, 2015. Collection method: clinical testing. Allele origin: germline.